The following is an entry in ClinVar:

ClinVar aggregate classification (germline): Uncertain significance (1 of 4 stars; one submission).

Conditions:
Inborn genetic diseases. Identifiers: MedGen C0950123, MeSH D030342.

Submission:

Ambry Genetics
Classification: Uncertain significance for Inborn genetic diseases. Last evaluated: 2025-06-29. Review status: criteria provided, single submitter. Criteria: Ambry Variant Classification Scheme 2023. Collection method: clinical testing. Allele origin: germline.
Comment: The p.M137K variant (also known as c.410T>A), located in coding exon 1 of the SAMD9L gene, results from a T to A substitution at nucleotide position 410. The methionine at codon 137 is replaced by lysine, an amino acid with similar properties. This amino acid position is conserved. In addition, this alteration is predicted to be tolerated by in silico analysis. Based on the available evidence, the clinical significance of this variant remains unclear.

NM_152703.5(SAMD9L):c.410T>A (p.Met137Lys)

Gene: SAMD9L (sterile alpha motif domain containing 9 like; minus strand). Cytogenetic location: 7q21.2.
Variant type: single nucleotide variant.
Coding change: c.410T>A on transcript NM_152703.5 (MANE Select); coding-DNA position 410, T replaced by A.
Protein change: p.Met137Lys; replaces methionine 137 with lysine.
Molecular consequence: missense variant.
Genome position (GRCh38, 1-based): chr7:93,135,562, A>T on the plus strand (T>A on the coding strand, the complement: SAMD9L is on the minus strand). VCF-style: chr7-93135562-A-T. GRCh37 (hg19) VCF-style: chr7-92764875-A-T.
Other names: c.410T>A, p.Met137Lys (NM_001303496.3, NM_001303497.3, NM_001303498.3 and 5 more transcripts); short protein forms M137K.
Identifiers: ClinVar variation 4159283 (VCV004159283.1).